The following is an entry in ClinVar:

NM_000540.3(RYR1):c.867C>A (p.Tyr289Ter)

Gene: RYR1 (ryanodine receptor 1; plus strand). Cytogenetic location: 19q13.2.
Variant type: single nucleotide variant.
Coding change: c.867C>A on transcript NM_000540.3 (MANE Select); coding-DNA position 867, C replaced by A.
Protein change: p.Tyr289Ter; replaces tyrosine 289 with a stop codon.
Molecular consequence: nonsense.
Genome position (GRCh38, 1-based): chr19:38,448,421, C>A. VCF-style: chr19-38448421-C-A. GRCh37 (hg19) VCF-style: chr19-38939061-C-A.
Other names: c.867C>A, p.Tyr289Ter (NM_001042723.2); short protein forms Y289*.
Identifiers: ClinVar variation 1454087 (VCV001454087.1), dbSNP rs1966900746, ClinGen allele CA405681388.

ClinVar aggregate classification (germline): Pathogenic (1 of 4 stars; one submission).

Conditions:
RYR1-related disorder. Also called: RYR1-related condition; RYR1-related disorders. Identifiers: MedGen CN239331.

Submission:

Labcorp Genetics (formerly Invitae), Labcorp
Classification: Pathogenic for RYR1-related disorder. Last evaluated: 2021-08-06. Review status: criteria provided, single submitter. Criteria: Invitae Variant Classification Sherloc (09022015). Collection method: clinical testing. Allele origin: germline.
Comment: This sequence change creates a premature translational stop signal (p.Tyr289*) in the RYR1 gene. It is expected to result in an absent or disrupted protein product. Loss-of-function variants in RYR1 are known to be pathogenic (PMID: 20583297, 20839240, 23919265, 28818389). This variant is not present in population databases (ExAC no frequency). This variant has not been reported in the literature in individuals with RYR1-related conditions. For these reasons, this variant has been classified as Pathogenic.

Literature cited by the submitters: PubMed 20583297; PubMed 20839240; PubMed 23919265; PubMed 28818389.